The following is an entry in ClinVar:

ClinVar aggregate classification (germline): Benign. Review status: criteria provided, multiple submitters, no conflicts (2 of 4 stars). 2 submissions from 2 submitters: Benign (2). Last evaluated 2018-06-16.

Allele frequency attached by ClinVar (database versions not stated): gnomAD exomes 0.00411; ExAC 0.00542; gnomAD 0.01604 and 0.01732; ESP Exome Variant Server 0.01648; 1000 Genomes Project 0.01677; TOPMed 0.01874; 1000 Genomes Project 30x 0.01983.
gnomAD v4.1: 5,011 of 1,602,240 alleles (0.31%); highest among the groups gnomAD compares: African/African-American, 5.7%; 120 homozygotes.

Submissions (2):

GeneDx
Classification: Benign. Last evaluated: 2018-06-16. Review status: criteria provided, single submitter. Criteria: GeneDx Variant Classification (06012015). Collection method: clinical testing. Allele origin: germline. Affected: yes.
Comment: This variant is considered likely benign or benign based on one or more of the following criteria: it is a conservative change, it occurs at a poorly conserved position in the protein, it is predicted to be benign by multiple in silico algorithms, and/or has population frequency not consistent with disease.

Breakthrough Genomics
Classification: Benign. Review status: criteria provided, single submitter. Criteria: ACMG Guidelines, 2015. Collection method: not provided. Allele origin: germline. Inheritance: Autosomal dominant inheritance. Affected: yes.

NM_004522.3(KIF5C):c.2445+47G>C

Gene: KIF5C (kinesin family member 5C; plus strand). Cytogenetic location: 2q23.2.
Variant type: single nucleotide variant.
Coding change: c.2445+47G>C on transcript NM_004522.3 (MANE Select); 47 bases into the intron after coding-DNA position 2445, G replaced by C.
Molecular consequence: intron variant.
Genome position (GRCh38, 1-based): chr2:149,005,511, G>C. VCF-style: chr2-149005511-G-C. GRCh37 (hg19) VCF-style: chr2-149862025-G-C.
Identifiers: ClinVar variation 677568 (VCV000677568.2), dbSNP rs6759259, ClinGen allele CA1901700.